The following is an entry in ClinVar:

NM_002510.3(GPNMB):c.1117+6G>C

Gene: GPNMB (glycoprotein nmb; plus strand). Cytogenetic location: 7p15.3.
Variant type: single nucleotide variant.
Coding change: c.1117+6G>C on transcript NM_002510.3 (MANE Select); 6 bases into the intron after coding-DNA position 1117, G replaced by C.
Molecular consequence: intron variant.
Genome position (GRCh38, 1-based): chr7:23,266,621, G>C. VCF-style: chr7-23266621-G-C. GRCh37 (hg19) VCF-style: chr7-23306240-G-C.
Other names: c.1153+6G>C (NM_001005340.2).
Identifiers: ClinVar variation 3042286 (VCV003042286.2), dbSNP rs373497685, ClinGen allele CA4187620.
Genomic context (GRCh38, chr7:23,266,621, plus strand): 5'-GAAAACTGCCAGATTAACAGATATGGCCACTTTCAAGCCACCATCACAATTGTAGGTAAG[G>C]CTGAAGATGATGACCAGTGAGGAAGGATGCTAGACTCCACCTAGGGTCACCCACTCTCTC-3'

ClinVar aggregate classification (germline): Likely benign (0 of 4 stars; one submission).

Conditions:
GPNMB-related disorder. Also called: GPNMB-related condition.

Allele frequency attached by ClinVar (database versions not stated): ExAC 0.00001; TOPMed 0.00002; gnomAD 0.00003; ESP Exome Variant Server 0.00015.
gnomAD v4.1: 43 of 1,612,880 alleles (0.0027%); highest among the groups gnomAD compares: Non-Finnish European, 0.0033%; no homozygotes.

Submission:

PreventionGenetics, part of Exact Sciences
Classification: Likely benign for GPNMB-related condition. Last evaluated: 2019-05-14. Review status: no assertion criteria provided. Collection method: clinical testing. Allele origin: germline.
Comment: This variant is classified as likely benign based on ACMG/AMP sequence variant interpretation guidelines (Richards et al. 2015 PMID: 25741868, with internal and published modifications).